The following is an entry in ClinVar:

ClinVar aggregate classification (germline): Uncertain significance (1 of 4 stars; one submission).

Conditions:
Hereditary spastic paraplegia 39 (SPG39). Also called: Spastic Paraplegia Type 39 (SPG39); SPASTIC PARAPLEGIA 39, AUTOSOMAL RECESSIVE. Identifiers: Orphanet 139480, MedGen C2677586, MONDO:0012787, OMIM 612020.
Trichomegaly-retina pigmentary degeneration-dwarfism syndrome (OMCS). Also called: OLIVER-MCFARLANE SYNDROME; Oliver-McFarlane Syndrome (OMCS); Eyelashes long mental retardation; Trichomegaly retina pigmentary degeneration dwarfism. Identifiers: Orphanet 3363, MedGen C1848745, MONDO:0010152, OMIM 275400.
Laurence-Moon syndrome (LNMS). Also called: PNPLA6-Related Laurence-Moon Syndrome (LMS). Identifiers: Orphanet 2377, MedGen C0023138, MONDO:0009514, OMIM 245800.
Ataxia-hypogonadism-choroidal dystrophy syndrome (BNHS). Also called: Boucher-Neuhäuser Syndrome (BNS); Chorioretinal dystrophy, spinocerebellar ataxia and hypogonadotropic hypogonadism. Identifiers: Orphanet 1180, MedGen C1859093, MONDO:0008980, OMIM 215470.

Submission:

Juno Genomics, Hangzhou Juno Genomics, Inc
Classification: Uncertain significance for Laurence-Moon syndrome; Ataxia-hypogonadism-choroidal dystrophy syndrome; Trichomegaly-retina pigmentary degeneration-dwarfism syndrome; Hereditary spastic paraplegia 39. Review status: criteria provided, single submitter. Criteria: ACMG Guidelines, 2015. Collection method: clinical testing. Allele origin: germline.
Comment: Absent from controls (or at extremely low frequency if recessive) in Genome Aggregation Database.;Multiple lines of computational evidence support a deleterious effect on the gene or gene product.;Missense variant in a gene that has a low rate of benign missense variation.;For recessive disorders, detected in trans with a pathogenic variant.

NM_001166114.2(PNPLA6):c.3504G>C (p.Trp1168Cys)

Gene: PNPLA6 (patatin like domain 6, lysophospholipase; plus strand). Cytogenetic location: 19p13.2.
Variant type: single nucleotide variant.
Coding change: c.3504G>C on transcript NM_001166114.2 (MANE Select); coding-DNA position 3504, G replaced by C.
Protein change: p.Trp1168Cys; replaces tryptophan 1168 with cysteine.
Molecular consequence: missense variant.
Genome position (GRCh38, 1-based): chr19:7,558,956, G>C. VCF-style: chr19-7558956-G-C. GRCh37 (hg19) VCF-style: chr19-7623842-G-C.
Other names: c.3534G>C, p.Trp1178Cys (NM_001166111.2); c.3309G>C, p.Trp1103Cys (NM_001166112.2); c.3390G>C, p.Trp1130Cys (NM_001166113.1, NM_006702.5); short protein forms W1130C, W1178C, W1103C, W1168C.
Identifiers: ClinVar variation 430848 (VCV000430848.3), dbSNP rs1555751600.